The following is an entry in ClinVar:

NM_001372.4(DNAH9):c.12011C>T (p.Pro4004Leu)

Gene: DNAH9 (dynein axonemal heavy chain 9; plus strand). Cytogenetic location: 17p12.
Variant type: single nucleotide variant.
Coding change: c.12011C>T on transcript NM_001372.4 (MANE Select); coding-DNA position 12011, C replaced by T.
Protein change: p.Pro4004Leu; replaces proline 4004 with leucine.
Molecular consequence: missense variant.
Genome position (GRCh38, 1-based): chr17:11,929,999, C>T. VCF-style: chr17-11929999-C-T. GRCh37 (hg19) VCF-style: chr17-11833316-C-T.
Other names: c.947C>T, p.Pro316Leu (NM_004662.2); short protein forms P316L, P4004L.
Identifiers: ClinVar variation 4753629 (VCV004753629.1).
Genomic context (GRCh38, chr17:11,929,999, plus strand): 5'-CAGAGTTCAGGGTCTTCATGAGTGCAGAGCCAGCACCCTCCCCTGAGGGCCACATCATCC[C>T]CCAGGGCATCCTGGAGAACTCCATTAAGATCACCAATGAGCCCCCCACGGGCATGCATGC-3'
Protein context (NP_001363.2, residues 3994-4014): PAPSPEGHII[Pro4004Leu]QGILENSIKI

ClinVar aggregate classification (germline): Uncertain significance (1 of 4 stars; one submission).

Submission:

Labcorp Genetics (formerly Invitae), Labcorp
Classification: Uncertain significance. Last evaluated: 2026-01-05. Review status: criteria provided, single submitter. Criteria: Invitae Variant Classification Sherloc (09022015). Collection method: clinical testing. Allele origin: germline.
Comment: This sequence change replaces proline, which is neutral and non-polar, with leucine, which is neutral and non-polar, at codon 4004 of the DNAH9 protein (p.Pro4004Leu). This variant is present in population databases (rs750056890, gnomAD 0.005%). This variant has not been reported in the literature in individuals affected with DNAH9-related conditions. Invitae Evidence Modeling of protein sequence and biophysical properties (such as structural, functional, and spatial information, amino acid conservation, physicochemical variation, residue mobility, and thermodynamic stability) indicates that this missense variant is expected to disrupt DNAH9 protein function with a positive predictive value of 80%. In summary, the available evidence is currently insufficient to determine the role of this variant in disease. Therefore, it has been classified as a Variant of Uncertain Significance.